The following is an entry in ClinVar:

ClinVar aggregate classification (germline): Uncertain significance (1 of 4 stars; one submission).

Submission:

GeneDx
Classification: Uncertain significance. Last evaluated: 2017-05-17. Review status: criteria provided, single submitter. Criteria: GeneDx Variant Classification (06012015). Collection method: clinical testing. Allele origin: germline. Affected: yes.
Comment: p.Val150Leu (GTG>CTG): c.448 G>C in exon 4 of the DNAJC5 gene (NM_025219.2). The V150L variant has not been published as a mutation, nor has it been reported as a benign polymorphism to our knowledge. It was not observed in approximately 6,500 individuals of European and African American ancestry in the NHLBI Exome Sequencing Project, indicating it is not a common benign variant in these populations. This V150L substitution occurs at a position that is highly conserved across species; however, no missense mutations in nearby residues have been reported. Additionally, the amino acid substitution is conservative, which is not likely to impact secondary protein structure as these residues share similar properties. In silico analysis is inconsistent in its predictions as to whether or not the variant is damaging to the protein structure/function. Therefore, based on the currently available information, it is unclear whether this variant is a pathogenic mutation or a rare benign variant. The variant is found in EPILEPSY panel(s).

NM_025219.3(DNAJC5):c.448G>C (p.Val150Leu)

Gene: DNAJC5 (DnaJ heat shock protein family (Hsp40) member C5; plus strand). Cytogenetic location: 20q13.33.
Variant type: single nucleotide variant.
Coding change: c.448G>C on transcript NM_025219.3 (MANE Select); coding-DNA position 448, G replaced by C.
Protein change: p.Val150Leu; replaces valine 150 with leucine.
Molecular consequence: missense variant.
Genome position (GRCh38, 1-based): chr20:63,930,977, G>C. VCF-style: chr20-63930977-G-C. GRCh37 (hg19) VCF-style: chr20-62562330-G-C.
Other names: p.V150L:GTG>CTG; short protein forms V150L.
Identifiers: ClinVar variation 205375 (VCV000205375.2), dbSNP rs146719477, ClinGen allele CA314389.
Genomic context (GRCh38, chr20:63,930,977, plus strand): 5'-AACTGCTGCTGCGGGAAGTGTAAGCCCAAGGCGCCTGAAGGCGAGGAGACGGAGTTCTAC[G>C]TGTCCCCCGAGGATCTGGAGGCACAGCTGCAGTCTGACGAGAGGGGTGAGTGCCCGCCCC-3'
Protein context (NP_079495.1, residues 140-160): APEGEETEFY[Val150Leu]SPEDLEAQLQ